The following is an entry in ClinVar:

NM_138694.4(PKHD1):c.8773G>T (p.Glu2925Ter)

Gene: PKHD1 (PKHD1 ciliary IPT domain containing fibrocystin/polyductin; minus strand). Cytogenetic location: 6p12.3.
Variant type: single nucleotide variant.
Coding change: c.8773G>T on transcript NM_138694.4 (MANE Select); coding-DNA position 8773, G replaced by T.
Protein change: p.Glu2925Ter; replaces glutamic acid 2925 with a stop codon.
Molecular consequence: nonsense.
Genome position (GRCh38, 1-based): chr6:51,754,808, C>A on the plus strand (G>T on the coding strand, the complement: PKHD1 is on the minus strand). VCF-style: chr6-51754808-C-A. GRCh37 (hg19) VCF-style: chr6-51619606-C-A.
Other names: c.8773G>T, p.Glu2925Ter (NM_170724.3); short protein forms E2925*.
Identifiers: ClinVar variation 4816781 (VCV004816781.1).
Genomic context (GRCh38, chr6:51,754,808, plus strand): 5'-CATTCACTTACCTTAACCAACAAACCAAAGCCTTACCAATATGCCGGTGTTTGAGCCGTT[C>A]ATAGATCCTCACATGGTGGCCCTTGACTTCTTTCACAGTGAGGACCTCTGCTTCATGAGG-3'

ClinVar aggregate classification (germline): Likely pathogenic (1 of 4 stars; one submission).

Conditions:
Autosomal recessive polycystic kidney disease (ARPKD). Also called: AR polycystic kidney disease. Identifiers: Orphanet 731, Orphanet 8378, MedGen C0085548, MeSH D017044, MONDO:0009889.

Submission:

Natera, Inc.
Classification: Likely pathogenic for Autosomal recessive polycystic kidney disease. Last evaluated: 2025-07-05. Review status: criteria provided, single submitter. Criteria: Natera Variant Classification Schema (03/2026). Collection method: clinical testing. Allele origin: germline.
Comment: The c.8773G>T variant in PKHD1 is a nonsense variant predicted to introduce a stop codon at amino acid 2925. This variant is expected to result in nonsense mediated decay, truncation, or a dysfunctional protein product. This variant is rare in the general population with a frequency below the threshold expected for the associated phenotype(s). Given the available evidence, this variant is classified as Likely Pathogenic.